The following is an entry in ClinVar:

ClinVar aggregate classification (germline): Pathogenic (1 of 4 stars; one submission).

Conditions:
Cardiovascular phenotype. Identifiers: MedGen CN230736.

Submission:

Ambry Genetics
Classification: Pathogenic for Cardiovascular phenotype. Last evaluated: 2018-04-11. Review status: criteria provided, single submitter. Criteria: Ambry Variant Classification Scheme 2023. Collection method: clinical testing. Allele origin: germline.
Comment: The p.C522* pathogenic mutation (also known as c.1566C>A), located in coding exon 9 of the LMNA gene, results from a C to A substitution at nucleotide position 1566. This changes the amino acid from a cysteine to a stop codon within coding exon 9. This alteration is expected to result in loss of function by premature protein truncation or nonsense-mediated mRNA decay. As such, this alteration is interpreted as a disease-causing mutation.

NM_170707.4(LMNA):c.1566C>A (p.Cys522Ter)

Gene: LMNA (lamin A/C; plus strand). Cytogenetic location: 1q22.
Variant type: single nucleotide variant.
Coding change: c.1566C>A on transcript NM_170707.4 (MANE Select); coding-DNA position 1566, C replaced by A.
Protein change: p.Cys522Ter; replaces cysteine 522 with a stop codon.
Molecular consequence: nonsense.
Genome position (GRCh38, 1-based): chr1:156,137,190, C>A. VCF-style: chr1-156137190-C-A. GRCh37 (hg19) VCF-style: chr1-156106981-C-A.
Other names: c.1230C>A, p.Cys410Ter (NM_001257374.3); c.1323C>A, p.Cys441Ter (NM_001282624.2); c.1566C>A, p.Cys522Ter (NM_001282625.2, NM_001282626.2, NM_005572.4 and 1 more transcripts); short protein forms C522*, C410*, C441*.
Identifiers: ClinVar variation 263601 (VCV000263601.5), dbSNP rs149339264, ClinGen allele CA10587415.
Genomic context (GRCh38, chr1:156,137,190, plus strand): 5'-TGGGGCCACCCACAGCCCCCCTACCGACCTGGTGTGGAAGGCACAGAACACCTGGGGCTG[C>A]GGGAACAGCCTGCGTACGGCTCTCATCAACTCCACTGGGGAAGTAAGTAGGCCTGGGCCT-3'